The following is an entry in ClinVar:

NM_024753.5(TTC21B):c.3038A>C (p.Glu1013Ala)

Gene: TTC21B (tetratricopeptide repeat domain 21B; minus strand). Cytogenetic location: 2q24.3.
Variant type: single nucleotide variant.
Coding change: c.3038A>C on transcript NM_024753.5 (MANE Select); coding-DNA position 3038, A replaced by C.
Protein change: p.Glu1013Ala; replaces glutamic acid 1013 with alanine.
Molecular consequence: missense variant.
Genome position (GRCh38, 1-based): chr2:165,890,901, T>G on the plus strand (A>C on the coding strand, the complement: TTC21B is on the minus strand). VCF-style: chr2-165890901-T-G. GRCh37 (hg19) VCF-style: chr2-166747411-T-G.
Other names: short protein forms E1013A.
Identifiers: ClinVar variation 2013407 (VCV002013407.4), dbSNP rs2468123146, ClinGen allele CA349048344.

ClinVar aggregate classification (germline): Uncertain significance (1 of 4 stars; one submission).

Conditions:
Jeune thoracic dystrophy. Also called: Jeune syndrome; Infantile thoracic dystrophy; Thoracic pelvic phalangeal dystrophy; Jeune's syndrome; Chondroectodermal dysplasia-like syndrome; Short-rib thoracic dysplasia. Identifiers: Orphanet 474, MedGen C0265275, MONDO:0018770.
Nephronophthisis. Also called: Juvenile Nephronophthisis. Identifiers: Orphanet 655, MedGen C0687120, MONDO:0019005, HP:0000090.

Submission:

Labcorp Genetics (formerly Invitae), Labcorp
Classification: Uncertain significance for Jeune thoracic dystrophy; Nephronophthisis. Last evaluated: 2022-07-03. Review status: criteria provided, single submitter. Criteria: Invitae Variant Classification Sherloc (09022015). Collection method: clinical testing. Allele origin: germline.
Comment: Algorithms developed to predict the effect of missense changes on protein structure and function are either unavailable or do not agree on the potential impact of this missense change (SIFT: "Deleterious"; PolyPhen-2: "Possibly Damaging"; Align-GVGD: "Class C0"). This variant has not been reported in the literature in individuals affected with TTC21B-related conditions. This variant is not present in population databases (gnomAD no frequency). This sequence change replaces glutamic acid, which is acidic and polar, with alanine, which is neutral and non-polar, at codon 1013 of the TTC21B protein (p.Glu1013Ala). In summary, the available evidence is currently insufficient to determine the role of this variant in disease. Therefore, it has been classified as a Variant of Uncertain Significance.